The following is an entry in ClinVar:

NM_015158.5(KANK1):c.3898-7_3898-3del

Gene: KANK1 (KN motif and ankyrin repeat domains 1; plus strand). Cytogenetic location: 9p24.3.
Variant type: Microsatellite.
Coding change: c.3898-7_3898-3del on transcript NM_015158.5 (MANE Select); 7 bases into the intron before coding-DNA position 3898 through 3 bases into the intron before coding-DNA position 3898, 5 bases deleted (TCTTA; older notation c.3898-7_3898-3delTCTTA).
Molecular consequence: intron variant.
Genome position (GRCh38, 1-based): chr9:744,484-744,488, TCTTA deleted; deleting any 5 consecutive bases within chr9:744,478-744,488 gives the same sequence; the c. name uses the placement nearest the transcript's 3' end. VCF-style (leftmost placement, unchanged base first): chr9-744477-CATCTT-C. GRCh37 (hg19) VCF-style: chr9-744477-CATCTT-C.
Other names: c.3898-7_3898-3del (NM_001256876.3, NM_001354334.2, NM_001256877.3); c.3424-7_3424-3del (NM_001354333.2, NM_001354335.2, NM_001354337.2 and 2 more transcripts); c.3658-7_3658-3del (NM_001354331.2); c.3844-7_3844-3del (NM_001354332.2); c.3130-7_3130-3del (NM_001354336.2); c.3184-7_3184-3del (NM_001354339.2, NM_001354343.2, NM_001354342.2); c.3370-7_3370-3del (NM_001354338.2, NM_001354340.2, NM_001354344.2).
Identifiers: ClinVar variation 1631963 (VCV001631963.16), dbSNP rs760085270, ClinGen allele CA4961255.

ClinVar aggregate classification (germline): Likely benign. Review status: criteria provided, multiple submitters, no conflicts (2 of 4 stars). 2 submissions from 2 submitters: Likely benign (2). Last evaluated 2026-01-21.

Submissions (2):

Labcorp Genetics (formerly Invitae), Labcorp
Classification: Likely benign. Last evaluated: 2026-01-21. Review status: criteria provided, single submitter. Criteria: Invitae Variant Classification Sherloc (09022015). Collection method: clinical testing. Allele origin: germline.

CeGaT Center for Human Genetics Tuebingen
Classification: Likely benign. Last evaluated: 2025-07-01. Review status: criteria provided, single submitter. Criteria: CeGaT Center For Human Genetics Tuebingen Variant Classification Criteria Version 2. Collection method: clinical testing. Allele origin: germline. Affected: yes. Observed: 1 variant allele.
Comment: KANK1: BP4